The following is an entry in ClinVar:

ClinVar aggregate classification (germline): Uncertain significance (1 of 4 stars; one submission).

Conditions:
Tuberous sclerosis 2 (TSC2). Identifiers: Orphanet 805, MedGen C1860707, MONDO:0013199, OMIM 613254.

gnomAD v4.1: 1 of 1,609,962 alleles (0.000062%); no homozygotes.

Submission:

Labcorp Genetics (formerly Invitae), Labcorp
Classification: Uncertain significance for Tuberous sclerosis 2. Last evaluated: 2021-04-18. Review status: criteria provided, single submitter. Criteria: Invitae Variant Classification Sherloc (09022015). Collection method: clinical testing. Allele origin: germline.
Comment: In summary, the available evidence is currently insufficient to determine the role of this variant in disease. Therefore, it has been classified as a Variant of Uncertain Significance. Nucleotide substitutions within the consensus splice site are a relatively common cause of aberrant splicing (PMID: 17576681, 9536098). Algorithms developed to predict the effect of sequence changes on RNA splicing suggest that this variant may disrupt the consensus splice site, but this prediction has not been confirmed by published transcriptional studies. This variant has not been reported in the literature in individuals with TSC2-related conditions. This variant is not present in population databases (ExAC no frequency). This sequence change falls in intron 33 of the TSC2 gene. It does not directly change the encoded amino acid sequence of the TSC2 protein. It affects a nucleotide within the consensus splice site of the intron.

Literature cited by the submitters: PubMed 17576681; PubMed 9536098.

NM_000548.5(TSC2):c.4005+6T>C

Gene: TSC2 (TSC complex subunit 2; plus strand). Cytogenetic location: 16p13.3.
Variant type: single nucleotide variant.
Coding change: c.4005+6T>C on transcript NM_000548.5 (MANE Select); 6 bases into the intron after coding-DNA position 4005, T replaced by C.
Molecular consequence: intron variant.
Genome position (GRCh38, 1-based): chr16:2,083,822, T>C. VCF-style: chr16-2083822-T-C. GRCh37 (hg19) VCF-style: chr16-2133823-T-C.
Other names: c.3936+6T>C (NM_001114382.3); c.3876+6T>C (NM_021055.3, NM_001370405.1); c.3807+6T>C (NM_001363528.2); c.3873+6T>C (NM_001370404.1); c.3804+6T>C (NM_001077183.3); c.3696+6T>C (NM_001318827.2); c.3273+6T>C (NM_001318831.2); c.3660+6T>C (NM_001318829.2); and 1 more.
Identifiers: ClinVar variation 1483793 (VCV001483793.6), dbSNP rs2151514450, ClinGen allele CA2573151582.